The following is an entry in ClinVar:

NM_004380.3(CREBBP):c.1633T>C (p.Leu545=)

Gene: CREBBP (CREB binding lysine acetyltransferase; minus strand). Cytogenetic location: 16p13.3.
Variant type: single nucleotide variant.
Coding change: c.1633T>C on transcript NM_004380.3 (MANE Select); coding-DNA position 1633, T replaced by C.
Protein change: p.Leu545=; no amino-acid change (leucine 545 retained).
Molecular consequence: synonymous variant.
Genome position (GRCh38, 1-based): chr16:3,781,247, A>G on the plus strand (T>C on the coding strand, the complement: CREBBP is on the minus strand). VCF-style: chr16-3781247-A-G. GRCh37 (hg19) VCF-style: chr16-3831248-A-G.
Other names: c.1519T>C, p.Leu507= (NM_001079846.1).
Identifiers: ClinVar variation 497411 (VCV000497411.41), dbSNP rs371285951, ClinGen allele CA7870403.
Genomic context (GRCh38, chr16:3,781,247, plus strand): 5'-CTGAAACAGGGTCTTACTTTGTGGCCCCCAGGGAAGTCGGAAGAGCTGATTCTGAAATCA[A>G]GTTTGGGGGCTGCTGATCTGTTGTTATTCCTCCTGCTGGAATGTTCATTGGATTATTTCC-3'
Protein context (NP_004371.2, residues 535-555): GITTDQQPPN[Leu545=]ISESALPTSL

ClinVar aggregate classification (germline): Likely benign. Review status: criteria provided, multiple submitters, no conflicts (2 of 4 stars). 7 submissions from 7 submitters: Likely benign (6). 1 of the submissions does not count toward it. Last evaluated 2025-11-17.

Conditions:
Menke-Hennekam syndrome 1 (MKHK1). Identifiers: MedGen C5193034, MONDO:0020763, OMIM 618332.
Rubinstein-Taybi syndrome due to CREBBP mutations (RSTS1). Also called: Rubinstein-Taybi syndrome 1; RUBINSTEIN-TAYBI SYNDROME 1, INCOMPLETE; BROAD THUMBS AND GREAT TOES, CHARACTERISTIC FACIES, AND IMPAIRED INTELLECTUAL DEVELOPMENT; CREBBP-Related Rubinstein-Taybi Syndrome; BROAD THUMB-HALLUX SYNDROME; RUBINSTEIN SYNDROME. Identifiers: Orphanet 353277, Orphanet 783, MedGen C4551859, MONDO:0008393, OMIM 180849.
CREBBP-related disorder. Also called: CREBBP-related disorders; CREBBP-related condition.
Rubinstein-Taybi syndrome (RSTS). Identifiers: Orphanet 783, MedGen C0035934, MONDO:0019188.
Inborn genetic diseases. Identifiers: MedGen C0950123, MeSH D030342.

Allele frequency attached by ClinVar (database versions not stated): gnomAD 0.00007; TOPMed 0.00007; ESP Exome Variant Server 0.00008; ExAC 0.00009; gnomAD exomes 0.00012.
gnomAD v4.1: 109 of 1,613,958 alleles (0.0068%); highest among the groups gnomAD compares: African/African-American, 0.004%; no homozygotes.

Submissions (7):

Labcorp Genetics (formerly Invitae), Labcorp
Classification: Likely benign for Rubinstein-Taybi syndrome. Last evaluated: 2025-11-17. Review status: criteria provided, single submitter. Criteria: Invitae Variant Classification Sherloc (09022015). Collection method: clinical testing. Allele origin: germline.

CeGaT Center for Human Genetics Tuebingen
Classification: Likely benign. Last evaluated: 2023-10-01. Review status: criteria provided, single submitter. Criteria: CeGaT Center For Human Genetics Tuebingen Variant Classification Criteria Version 2. Collection method: clinical testing. Allele origin: germline. Affected: yes. Observed: 1 variant allele.
Comment: CREBBP: BP4, BP7

Blueprint Genetics
Classification: Likely benign. Last evaluated: 2023-09-21. Review status: criteria provided, single submitter. Criteria: ACMG Guidelines, 2015. Collection method: clinical testing. Allele origin: germline.

Fulgent Genetics
Classification: Likely benign for Rubinstein-Taybi syndrome due to CREBBP mutations; Menke-Hennekam syndrome 1. Last evaluated: 2021-11-13. Review status: criteria provided, single submitter. Criteria: ACMG Guidelines, 2015. Collection method: clinical testing. Allele origin: unknown.

Eurofins Ntd Llc (ga)
Classification: Likely benign. Last evaluated: 2018-05-15. Review status: criteria provided, single submitter. Criteria: EGL ClinVar v180209 classification definitions. Collection method: clinical testing. Allele origin: germline. Observed: 2 variant alleles, 2 heterozygotes.

Ambry Genetics
Classification: Likely benign for Inborn genetic diseases. Last evaluated: 2018-01-23. Review status: criteria provided, single submitter. Criteria: Ambry Variant Classification Scheme 2023. Collection method: clinical testing. Allele origin: germline.

PreventionGenetics, part of Exact Sciences
Classification: Likely benign for CREBBP-related condition. Last evaluated: 2021-06-02. Review status: no assertion criteria provided. Collection method: clinical testing. Allele origin: germline. Not counted in ClinVar's aggregate classification.
Comment: This variant is classified as likely benign based on ACMG/AMP sequence variant interpretation guidelines (Richards et al. 2015 PMID: 25741868, with internal and published modifications).